The following is an entry in ClinVar:

NM_015215.4(CAMTA1):c.2179A>G (p.Ile727Val)

Gene: CAMTA1 (calmodulin binding transcription activator 1; plus strand). Cytogenetic location: 1p36.23.
Variant type: single nucleotide variant.
Coding change: c.2179A>G on transcript NM_015215.4 (MANE Select); coding-DNA position 2179, A replaced by G.
Protein change: p.Ile727Val; replaces isoleucine 727 with valine.
Molecular consequence: missense variant.
Genome position (GRCh38, 1-based): chr1:7,664,726, A>G. VCF-style: chr1-7664726-A-G. GRCh37 (hg19) VCF-style: chr1-7724786-A-G.
Other names: c.2089A>G, p.Ile697Val (NM_001349608.2, NM_001349612.2); c.2179A>G, p.Ile727Val (NM_001349609.2, NM_001349610.2, NM_001410737.1); c.2107A>G, p.Ile703Val (NM_001410738.1); short protein forms I697V, I703V, I727V.
Identifiers: ClinVar variation 2705809 (VCV002705809.3), dbSNP rs1210565149, ClinGen allele CA338132896.

ClinVar aggregate classification (germline): Uncertain significance (1 of 4 stars; one submission).

Allele frequency attached by ClinVar (database versions not stated): TOPMed below 0.00001; gnomAD 0.00001; gnomAD exomes 0.00002.
gnomAD v4.1: 23 of 1,608,644 alleles (0.0014%); highest among the groups gnomAD compares: Non-Finnish European, 0.002%; no homozygotes.

Submission:

Labcorp Genetics (formerly Invitae), Labcorp
Classification: Uncertain significance. Last evaluated: 2024-04-11. Review status: criteria provided, single submitter. Criteria: Invitae Variant Classification Sherloc (09022015). Collection method: clinical testing. Allele origin: germline.
Comment: This sequence change replaces isoleucine, which is neutral and non-polar, with valine, which is neutral and non-polar, at codon 727 of the CAMTA1 protein (p.Ile727Val). This variant is present in population databases (no rsID available, gnomAD 0.002%). This variant has not been reported in the literature in individuals affected with CAMTA1-related conditions. An algorithm developed to predict the effect of missense changes on protein structure and function (PolyPhen-2) suggests that this variant is likely to be tolerated. In summary, the available evidence is currently insufficient to determine the role of this variant in disease. Therefore, it has been classified as a Variant of Uncertain Significance.